The following is an entry in ClinVar:

ClinVar aggregate classification (germline): Uncertain significance. Review status: criteria provided, multiple submitters, no conflicts (2 of 4 stars). 5 submissions from 5 submitters: Uncertain significance (5). Last evaluated 2025-06-24.

Conditions:
RYR1-related disorder. Also called: RYR1-related disorders; RYR1-related condition. Identifiers: MedGen CN239331.
Inborn genetic diseases. Identifiers: MedGen C0950123, MeSH D030342.
Malignant hyperthermia, susceptibility to, 1 (MHS1). Also called: Anesthesia related hyperthermia; Malignant hyperpyrexia; Fulminating hyperpyrexia; Pharmacogenic myopathy; RYR1-Related Malignant Hyperthermia Susceptibility; Malignant hyperthermia suceptibility 1. Identifiers: Orphanet 423, MedGen C2930980, MONDO:0007783, OMIM 145600.

Allele frequency attached by ClinVar (database versions not stated): TOPMed below 0.00001; ExAC 0.00001; gnomAD exomes 0.00001.
gnomAD v4.1: 3 of 1,612,838 alleles (0.00019%); highest among the groups gnomAD compares: Non-Finnish European, 0.00017%; no homozygotes.

Submissions (5):

Color Diagnostics, LLC DBA Color Health
Classification: Uncertain significance for Malignant hyperthermia, susceptibility to, 1. Last evaluated: 2025-06-24. Review status: criteria provided, single submitter. Criteria: ACMG Guidelines, 2015. Collection method: clinical testing. Allele origin: germline.
Comment: This missense variant replaces arginine with histidine at codon 4191 of the RYR1 protein. Computational prediction suggests that this variant may have deleterious impact on protein structure and function. To our knowledge, functional studies have not been reported for this variant. This variant has not been reported in individuals affected with autosomal dominant malignant hyperthermia in the literature. This variant has been identified in 2/248472 chromosomes in the general population by the Genome Aggregation Database (gnomAD). The available evidence is insufficient to determine the role of this variant in disease conclusively. Therefore, this variant is classified as a Variant of Uncertain Significance.

Labcorp Genetics (formerly Invitae), Labcorp
Classification: Uncertain significance for RYR1-related disorder. Last evaluated: 2025-04-14. Review status: criteria provided, single submitter. Criteria: Invitae Variant Classification Sherloc (09022015). Collection method: clinical testing. Allele origin: germline.
Comment: This sequence change replaces arginine, which is basic and polar, with histidine, which is basic and polar, at codon 4191 of the RYR1 protein (p.Arg4191His). The frequency data for this variant in the population databases is considered unreliable, as metrics indicate poor data quality at this position in the gnomAD database. This missense change has been observed in individual(s) with clinical features of autosomal recessive RYR1-related myopathy (PMID: 36131268). ClinVar contains an entry for this variant (Variation ID: 590406). Invitae Evidence Modeling of protein sequence and biophysical properties (such as structural, functional, and spatial information, amino acid conservation, physicochemical variation, residue mobility, and thermodynamic stability) indicates that this missense variant is expected to disrupt RYR1 protein function with a positive predictive value of 80%. In summary, the available evidence is currently insufficient to determine the role of this variant in disease. Therefore, it has been classified as a Variant of Uncertain Significance.

All of Us Research Program, National Institutes of Health
Classification: Uncertain significance for Malignant hyperthermia, susceptibility to, 1. Last evaluated: 2024-09-23. Review status: criteria provided, single submitter. Criteria: ACMG Guidelines, 2015. Collection method: clinical testing. Allele origin: germline. Inheritance: Autosomal dominant inheritance. Observed: 1 variant allele, 1 heterozygote.
Comment: This study involves interpretation of variants in research participants for the purpose of population health screening. Participant phenotype was not available at the time of variant classification. Additional details can be found in publication PMID: 35346344, PMCID: PMC8962531

Ambry Genetics
Classification: Uncertain significance for Inborn genetic diseases. Last evaluated: 2024-07-22. Review status: criteria provided, single submitter. Criteria: Ambry Variant Classification Scheme 2023. Collection method: clinical testing. Allele origin: germline.
Comment: The c.12572G>A (p.R4191H) alteration is located in exon 90 (coding exon 90) of the RYR1 gene. This alteration results from a G to A substitution at nucleotide position 12572, causing the arginine (R) at amino acid position 4191 to be replaced by a histidine (H). Based on data from gnomAD, the A allele has an overall frequency of 0.001% (2/248472) total alleles studied. The highest observed frequency was 0.002% (2/112162) of European (non-Finnish) alleles. This variant has been identified in trans with another RYR1 variant in a fetus with fetal hydrops, scoliosis, fetal akinesia and polyhydramnios (Zhao, 2022). This amino acid position is highly conserved in available vertebrate species. This alteration is predicted to be deleterious by in silico analysis. Based on insufficient or conflicting evidence, the clinical significance of this alteration remains unclear.

PreventionGenetics, part of Exact Sciences
Classification: Uncertain significance. Last evaluated: 2016-06-07. Review status: criteria provided, single submitter. Criteria: ACMG Guidelines, 2015. Collection method: clinical testing. Allele origin: germline.

Literature cited by the submitters: PubMed 36131268 (cited by Labcorp Genetics (formerly Invitae), Labcorp and Ambry Genetics).

NM_000540.3(RYR1):c.12572G>A (p.Arg4191His)

Gene: RYR1 (ryanodine receptor 1; plus strand). Cytogenetic location: 19q13.2.
Variant type: single nucleotide variant.
Coding change: c.12572G>A on transcript NM_000540.3 (MANE Select); coding-DNA position 12572, G replaced by A.
Protein change: p.Arg4191His; replaces arginine 4191 with histidine.
Molecular consequence: missense variant.
Genome position (GRCh38, 1-based): chr19:38,561,402, G>A. VCF-style: chr19-38561402-G-A. GRCh37 (hg19) VCF-style: chr19-39052042-G-A.
Other names: c.12557G>A, p.Arg4186His (NM_001042723.2); short protein forms R4191H, R4186H.
Identifiers: ClinVar variation 590406 (VCV000590406.8), dbSNP rs765730833, ClinGen allele CA059112.